The following is an entry in ClinVar:

ClinVar aggregate classification (germline): Pathogenic (1 of 4 stars; one submission).

Submission:

Labcorp Genetics (formerly Invitae), Labcorp
Classification: Pathogenic. Last evaluated: 2023-09-04. Review status: criteria provided, single submitter. Criteria: Invitae Variant Classification Sherloc (09022015). Collection method: clinical testing. Allele origin: germline.
Comment: For these reasons, this variant has been classified as Pathogenic. This variant has not been reported in the literature in individuals affected with SLC39A4-related conditions. Information on the frequency of this variant in the gnomAD database is not available, as this variant may be reported differently in the database. This sequence change creates a premature translational stop signal (p.Phe570*) in the SLC39A4 gene. It is expected to result in an absent or disrupted protein product. Loss-of-function variants in SLC39A4 are known to be pathogenic (PMID: 12955721).

Literature cited by the submitters: PubMed 12955721.

NM_130849.4(SLC39A4):c.1709_1710delinsAA (p.Phe570Ter)

Gene: SLC39A4 (solute carrier family 39 member 4; minus strand). Cytogenetic location: 8q24.3.
Variant type: Indel.
Coding change: c.1709_1710delinsAA on transcript NM_130849.4 (MANE Select); coding-DNA positions 1709 to 1710, TC replaced by AA.
Protein change: p.Phe570Ter; replaces phenylalanine 570 with a stop codon.
Molecular consequence: nonsense.
Genome position (GRCh38, 1-based): chr8:144,412,864-144,412,865, GA replaced by TT on the plus strand (TC replaced by AA on the coding strand, the reverse complement: SLC39A4 is on the minus strand). VCF-style: chr8-144412864-GA-TT. GRCh37 (hg19) VCF-style: chr8-145638248-GA-TT.
Other names: c.215_216delinsAA, p.Phe72Ter (NM_001280557.2); c.1427_1428delinsAA, p.Phe476Ter (NM_001374839.1); c.1634_1635delinsAA, p.Phe545Ter (NM_017767.3); short protein forms F476*, F545*, F72*, F570*.
Identifiers: ClinVar variation 2758033 (VCV002758033.3), dbSNP rs2537425842, ClinGen allele CA2697550205.